The following is an entry in ClinVar:

ClinVar aggregate classification (germline): Pathogenic (1 of 4 stars; one submission).

Conditions:
Oculofaciocardiodental syndrome (MCOPS2). Identifiers: Orphanet 2712, MedGen C1846265, MONDO:0010261, OMIM 300166.

Submission:

Labcorp Genetics (formerly Invitae), Labcorp
Classification: Pathogenic for Oculofaciocardiodental syndrome. Last evaluated: 2019-02-10. Review status: criteria provided, single submitter. Criteria: Invitae Variant Classification Sherloc (09022015). Collection method: clinical testing. Allele origin: germline.
Comment: This sequence change creates a premature translational stop signal (p.Pro264Hisfs*4) in the BCOR gene. It is expected to result in an absent or disrupted protein product. This variant is not present in population databases (ExAC no frequency). For these reasons, this variant has been classified as Pathogenic. Loss-of-function variants in BCOR are known to be pathogenic (PMID: 15004558, 19367324). This variant has not been reported in the literature in individuals with BCOR-related conditions.

Literature cited by the submitters: PubMed 15004558; PubMed 19367324.

NM_001123385.2(BCOR):c.786_790dup (p.Pro264fs)

Genes: BCOR (BCL6 corepressor; minus strand), LOC126863239 (MED14-independent group 3 enhancer GRCh37_chrX:39932994-39934193; plus strand). Cytogenetic location: Xp11.4.
Variant type: Duplication.
Coding change: c.786_790dup on transcript NM_001123385.2 (MANE Select); coding-DNA positions 786 to 790, 5 bases duplicated (ATCAC; older notation c.786_790dupATCAC).
Protein change: p.Pro264fs; shifts the reading frame from proline 264.
Molecular consequence: frameshift variant.
Genome position (GRCh38, 1-based): chrX:40,074,556-40,074,560, GTGAT duplicated on the plus strand (ATCAC on the coding strand, the reverse complement: BCOR is on the minus strand); duplicating any 5 consecutive bases within chrX:40,074,556-40,074,561 gives the same sequence; the c. name uses the placement nearest the transcript's 3' end. VCF-style (leftmost placement, unchanged base first): chrX-40074555-G-GGTGAT. GRCh37 (hg19) VCF-style: chrX-39933808-G-GGTGAT.
Other names: c.785_789dup, p.Pro264Hisfs (NM_001123383.2); c.786_790dup, p.Pro264fs (NM_001123384.2, NM_017745.6); short protein forms P264fs.
Identifiers: ClinVar variation 858540 (VCV000858540.8), dbSNP rs1935688233, ClinGen allele CA916082484.